The following is an entry in ClinVar:

NM_004946.3(DOCK2):c.4630G>A (p.Ala1544Thr)

Gene: DOCK2 (dedicator of cytokinesis 2; plus strand). Cytogenetic location: 5q35.1.
Variant type: single nucleotide variant.
Coding change: c.4630G>A on transcript NM_004946.3 (MANE Select); coding-DNA position 4630, G replaced by A.
Protein change: p.Ala1544Thr; replaces alanine 1544 with threonine.
Molecular consequence: missense variant. On other transcripts: non-coding transcript variant (1).
Genome position (GRCh38, 1-based): chr5:170,067,672, G>A. VCF-style: chr5-170067672-G-A. GRCh37 (hg19) VCF-style: chr5-169494676-G-A.
Other names: short protein forms A1544T.
Identifiers: ClinVar variation 2072060 (VCV002072060.1), dbSNP rs767874214, ClinGen allele CA3554596.

ClinVar aggregate classification (germline): Uncertain significance (1 of 4 stars; one submission).

Conditions:
DOCK2 deficiency. Also called: Immunodeficiency 40. Identifiers: Orphanet 447737, MedGen C4225328, MONDO:0014637, OMIM 616433.

Allele frequency attached by ClinVar (database versions not stated): gnomAD 0.00001; TOPMed 0.00001; ExAC 0.00002; gnomAD exomes 0.00003.
gnomAD v4.1: 45 of 1,613,918 alleles (0.0028%); highest among the groups gnomAD compares: South Asian, 0.012%; no homozygotes.

Submission:

Labcorp Genetics (formerly Invitae), Labcorp
Classification: Uncertain significance for DOCK2 deficiency. Last evaluated: 2022-08-15. Review status: criteria provided, single submitter. Criteria: Invitae Variant Classification Sherloc (09022015). Collection method: clinical testing. Allele origin: germline.
Comment: This sequence change replaces alanine, which is neutral and non-polar, with threonine, which is neutral and polar, at codon 1544 of the DOCK2 protein (p.Ala1544Thr). This variant is present in population databases (rs767874214, gnomAD 0.01%). This variant has not been reported in the literature in individuals affected with DOCK2-related conditions. Algorithms developed to predict the effect of missense changes on protein structure and function (SIFT, PolyPhen-2, Align-GVGD) all suggest that this variant is likely to be tolerated. In summary, the available evidence is currently insufficient to determine the role of this variant in disease. Therefore, it has been classified as a Variant of Uncertain Significance.